The following is an entry in ClinVar:

NM_001103.4(ACTN2):c.2063A>C (p.Tyr688Ser)

Gene: ACTN2 (actinin alpha 2; plus strand). Cytogenetic location: 1q43.
Variant type: single nucleotide variant.
Coding change: c.2063A>C on transcript NM_001103.4 (MANE Select); coding-DNA position 2063, A replaced by C.
Protein change: p.Tyr688Ser; replaces tyrosine 688 with serine.
Molecular consequence: missense variant. On other transcripts: non-coding transcript variant (1).
Genome position (GRCh38, 1-based): chr1:236,755,107, A>C. VCF-style: chr1-236755107-A-C. GRCh37 (hg19) VCF-style: chr1-236918407-A-C.
Other names: c.2063A>C, p.Tyr688Ser (NM_001278343.2); short protein forms Y688S.
Identifiers: ClinVar variation 4613363 (VCV004613363.2).

ClinVar aggregate classification (germline): Uncertain significance. Review status: criteria provided, multiple submitters, no conflicts (2 of 4 stars). 2 submissions from 2 submitters: Uncertain significance (2). Last evaluated 2025-11-04.

Conditions:
Cardiovascular phenotype. Identifiers: MedGen CN230736.
Dilated cardiomyopathy 1AA (CMD1AA). Also called: CARDIOMYOPATHY, DILATED, 1AA, WITH OR WITHOUT LEFT VENTRICULAR NONCOMPACTION; CARDIOMYOPATHY, FAMILIAL HYPERTROPHIC, 23, WITH OR WITHOUT LEFT VENTRICULAR NONCOMPACTION; Cardiomyopathy, dilated, 1AA, with or without LVNC. Identifiers: Orphanet 154, MedGen C2677338, MONDO:0012808, OMIM 612158.
Primary familial hypertrophic cardiomyopathy (HCM). Identifiers: Orphanet 99739, MedGen C0949658, MeSH D024741, MONDO:0024573. Inheritance: Various modes of inheritance.

gnomAD v4.1: 2 of 1,614,082 alleles (0.00012%); highest among the groups gnomAD compares: Non-Finnish European, 0.00017%; no homozygotes.

Submissions (2):

Ambry Genetics
Classification: Uncertain significance for Cardiovascular phenotype. Last evaluated: 2025-11-04. Review status: criteria provided, single submitter. Criteria: Ambry Variant Classification Scheme 2023. Collection method: clinical testing. Allele origin: germline.
Comment: The p.Y688S variant (also known as c.2063A>C), located in coding exon 17 of the ACTN2 gene, results from an A to C substitution at nucleotide position 2063. The tyrosine at codon 688 is replaced by serine, an amino acid with dissimilar properties. This amino acid position is conserved. In addition, this alteration is predicted to be deleterious by in silico analysis. Based on the available evidence, the clinical significance of this variant remains unclear.

Labcorp Genetics (formerly Invitae), Labcorp
Classification: Uncertain significance for Primary familial hypertrophic cardiomyopathy; Dilated cardiomyopathy 1AA. Last evaluated: 2025-04-24. Review status: criteria provided, single submitter. Criteria: Invitae Variant Classification Sherloc (09022015). Collection method: clinical testing. Allele origin: germline.
Comment: This sequence change replaces tyrosine, which is neutral and polar, with serine, which is neutral and polar, at codon 688 of the ACTN2 protein (p.Tyr688Ser). This variant is not present in population databases (gnomAD no frequency). This variant has not been reported in the literature in individuals affected with ACTN2-related conditions. Invitae Evidence Modeling of protein sequence and biophysical properties (such as structural, functional, and spatial information, amino acid conservation, physicochemical variation, residue mobility, and thermodynamic stability) indicates that this missense variant is expected to disrupt ACTN2 protein function with a positive predictive value of 80%. In summary, the available evidence is currently insufficient to determine the role of this variant in disease. Therefore, it has been classified as a Variant of Uncertain Significance.